The following is an entry in ClinVar:

NM_015041.3(CLUAP1):c.1158C>A (p.Asp386Glu)

Gene: CLUAP1 (clusterin associated protein 1; plus strand). Cytogenetic location: 16p13.3.
Variant type: single nucleotide variant.
Coding change: c.1158C>A on transcript NM_015041.3 (MANE Select); coding-DNA position 1158, C replaced by A.
Protein change: p.Asp386Glu; replaces aspartic acid 386 with glutamic acid.
Molecular consequence: missense variant.
Genome position (GRCh38, 1-based): chr16:3,536,187, C>A. VCF-style: chr16-3536187-C-A. GRCh37 (hg19) VCF-style: chr16-3586187-C-A.
Other names: c.1215C>A, p.Asp405Glu (NM_001330454.2); c.660C>A, p.Asp220Glu (NM_024793.3); short protein forms D220E, D386E, D405E.
Identifiers: ClinVar variation 1053078 (VCV001053078.9), dbSNP rs377448455, ClinGen allele CA394516543.

ClinVar aggregate classification (germline): Uncertain significance (1 of 4 stars; one submission).

gnomAD v4.1: 1 of 1,614,102 alleles (0.000062%); highest among the groups gnomAD compares: Non-Finnish European, 0.000085%; no homozygotes.

Submission:

Labcorp Genetics (formerly Invitae), Labcorp
Classification: Uncertain significance. Last evaluated: 2020-07-09. Review status: criteria provided, single submitter. Criteria: Invitae Variant Classification Sherloc (09022015). Collection method: clinical testing. Allele origin: germline.
Comment: This variant has not been reported in the literature in individuals with CLUAP1-related conditions. This sequence change replaces aspartic acid with glutamic acid at codon 386 of the CLUAP1 protein (p.Asp386Glu). The aspartic acid residue is moderately conserved and there is a small physicochemical difference between aspartic acid and glutamic acid. This variant is not present in population databases (ExAC no frequency). Algorithms developed to predict the effect of missense changes on protein structure and function output the following: SIFT: "Tolerated"; PolyPhen-2: "Benign"; Align-GVGD: "Class C0". The glutamic acid amino acid residue is found in multiple mammalian species, suggesting that this missense change does not adversely affect protein function. These predictions have not been confirmed by published functional studies and their clinical significance is uncertain. In summary, the available evidence is currently insufficient to determine the role of this variant in disease. Therefore, it has been classified as a Variant of Uncertain Significance.